The following is an entry in ClinVar:

ClinVar aggregate classification (germline): Likely pathogenic (1 of 4 stars; one submission).

Conditions:
Maple syrup urine disease (MSUD). Identifiers: Orphanet 511, MedGen C0024776, MeSH D008375, MONDO:0009563. Disease mechanism: loss of function.

Submission:

Labcorp Genetics (formerly Invitae), Labcorp
Classification: Likely pathogenic for Maple syrup urine disease. Last evaluated: 2024-03-21. Review status: criteria provided, single submitter. Criteria: Invitae Variant Classification Sherloc (09022015). Collection method: clinical testing. Allele origin: germline.
Comment: This variant results in the deletion of part of exon 7 (c.743_840+22delinsGGAAGAAGTCCCTATAGAACGTAG) of the BCKDHB gene. It is expected to disrupt RNA splicing. Variants that disrupt the donor or acceptor splice site typically lead to a loss of protein function (PMID: 16199547), and loss-of-function variants in BCKDHB are known to be pathogenic (PMID: 16786533, 22593002). This variant is not present in population databases (gnomAD no frequency). This variant has not been reported in the literature in individuals affected with BCKDHB-related conditions. In summary, the currently available evidence indicates that the variant is pathogenic, but additional data are needed to prove that conclusively. Therefore, this variant has been classified as Likely Pathogenic.

Literature cited by the submitters: PubMed 16199547; PubMed 16786533; PubMed 22593002.

NM_183050.4(BCKDHB):c.743_840+22delinsGGAAGAAGTCCCTATAGAACGTAG

Gene: BCKDHB (branched chain keto acid dehydrogenase E1 subunit beta; plus strand). Cytogenetic location: 6q14.1.
Variant type: Indel.
Coding change: c.743_840+22delinsGGAAGAAGTCCCTATAGAACGTAG on transcript NM_183050.4 (MANE Select); coding-DNA position 743 through 22 bases into the intron after coding-DNA position 840, the reference bases replaced by GGAAGAAGTCCCTATAGAACGTAG.
Molecular consequence: splice donor variant.
Genome position (GRCh38, 1-based): chr6:80,200,934-80,201,053, 120 bases replaced. GRCh37 (hg19): chr6:80,910,651-80,910,770.
Other names: c.533_630+22delinsGGAAGAAGTCCCTATAGAACGTAG (NM_001318975.1, NM_001424043.1); c.743_840+22delinsGGAAGAAGTCCCTATAGAACGTAG (NM_001424037.1, NM_001424036.1, NM_001424035.1 and 7 more transcripts).
Identifiers: ClinVar variation 3647284 (VCV003647284.2).